The following is an entry in ClinVar:

NM_000059.4(BRCA2):c.9256+3A>C

Gene: BRCA2 (BRCA2 DNA repair associated; plus strand). Cytogenetic location: 13q13.1.
Variant type: single nucleotide variant.
Coding change: c.9256+3A>C on transcript NM_000059.4 (MANE Select); 3 bases into the intron after coding-DNA position 9256, A replaced by C.
Molecular consequence: intron variant.
Genome position (GRCh38, 1-based): chr13:32,380,148, A>C. VCF-style: chr13-32380148-A-C. GRCh37 (hg19) VCF-style: chr13-32954285-A-C.
Identifiers: ClinVar variation 479362 (VCV000479362.16), dbSNP rs1555288593, ClinGen allele CA658656450.

ClinVar aggregate classification (germline): Uncertain significance. Review status: criteria provided, multiple submitters, no conflicts (2 of 4 stars). 2 submissions from 2 submitters: Uncertain significance (2). Last evaluated 2026-09-10.

Conditions:
Hereditary breast ovarian cancer syndrome. Also called: Hereditary breast and/or ovarian cancer syndrome; BRCA1- and BRCA2-Associated Hereditary Breast and Ovarian Cancer; Hereditary breast and ovarian cancer syndrome; Breast and ovarian cancer; Hereditary breast and ovarian cancer; Hereditary breast and ovarian cancer syndrome (HBOC). Identifiers: Orphanet 145, MedGen C0677776, MeSH D061325, MONDO:0003582. Disease mechanism: loss of function.
Hereditary cancer-predisposing syndrome. Also called: Neoplastic Syndromes, Hereditary; Hereditary neoplastic syndrome; Hereditary Cancer Syndrome; Tumor predisposition. Identifiers: Orphanet 140162, MedGen C0027672, MeSH D009386, MONDO:0015356.

Submissions (2):

Ambry Genetics
Classification: Uncertain significance for Hereditary cancer-predisposing syndrome. Last evaluated: 2026-09-10. Review status: criteria provided, single submitter. Criteria: Ambry Variant Classification Scheme 2023. Collection method: clinical testing. Allele origin: germline.
Comment: The c.9256+3A>C intronic variant results from an A to C substitution 3 nucleotides after coding exon 23 in the BRCA2 gene. The results from two saturation genome editing-based studies, including a haploid cell-survival assay and a humanized mouse embryonic stem cell line assay of drug response and survival, are discordant for this nucleotide substitution (Huang H et al. Nature, 2025 Feb;638:528-537; Sahu S et al. Nature, 2025 Feb;638:538-545). This nucleotide position is highly conserved in available vertebrate species. In silico splice site analysis predicts that this alteration may weaken the native splice donor site. RNA studies have demonstrated that this variant results in a splice defect; the clinical impact of this abnormal splicing is unknown at this time (Ambry internal data). Based on the available evidence, the clinical significance of this variant remains unclear.

Labcorp Genetics (formerly Invitae), Labcorp
Classification: Uncertain significance for Hereditary breast ovarian cancer syndrome. Last evaluated: 2024-01-13. Review status: criteria provided, single submitter. Criteria: Invitae Variant Classification Sherloc (09022015). Collection method: clinical testing. Allele origin: germline.
Comment: This sequence change falls in intron 24 of the BRCA2 gene. It does not directly change the encoded amino acid sequence of the BRCA2 protein. It affects a nucleotide within the consensus splice site. This variant is not present in population databases (gnomAD no frequency). This variant has not been reported in the literature in individuals affected with BRCA2-related conditions. ClinVar contains an entry for this variant (Variation ID: 479362). Variants that disrupt the consensus splice site are a relatively common cause of aberrant splicing (PMID: 17576681, 9536098). Algorithms developed to predict the effect of sequence changes on RNA splicing suggest that this variant may disrupt the consensus splice site. In summary, the available evidence is currently insufficient to determine the role of this variant in disease. Therefore, it has been classified as a Variant of Uncertain Significance.

Literature cited by the submitters: PubMed 39779848 (cited by Ambry Genetics); PubMed 39779857 (cited by Ambry Genetics); PubMed 17576681 (cited by Labcorp Genetics (formerly Invitae), Labcorp); PubMed 9536098 (cited by Labcorp Genetics (formerly Invitae), Labcorp).